The following is an entry in ClinVar:

ClinVar aggregate classification (germline): Uncertain significance. Review status: criteria provided, multiple submitters, no conflicts (2 of 4 stars). 3 submissions from 3 submitters: Uncertain significance (3). Last evaluated 2025-07-24.

Conditions:
Cardiovascular phenotype. Identifiers: MedGen CN230736.
Alstrom syndrome (ALMS). Identifiers: Orphanet 64, MedGen C0268425, MONDO:0008763, OMIM 203800.

Allele frequency attached by ClinVar (database versions not stated): gnomAD 0.00001; gnomAD exomes 0.00003 and 0.00006; TOPMed 0.00003; ExAC 0.00007.
gnomAD v4.1: 50 of 1,613,964 alleles (0.0031%); highest among the groups gnomAD compares: Admixed American, 0.023%; no homozygotes.

Submissions (3):

Ambry Genetics
Classification: Uncertain significance for Cardiovascular phenotype. Last evaluated: 2025-07-24. Review status: criteria provided, single submitter. Criteria: Ambry Variant Classification Scheme 2023. Collection method: clinical testing. Allele origin: germline.
Comment: The p.Y1203C variant (also known as c.3608A>G), located in coding exon 8 of the ALMS1 gene, results from an A to G substitution at nucleotide position 3608. The tyrosine at codon 1203 is replaced by cysteine, an amino acid with highly dissimilar properties. This amino acid position is not well conserved in available vertebrate species. In addition, the in silico prediction for this alteration is inconclusive. Since supporting evidence is limited at this time, the clinical significance of this alteration remains unclear.

Labcorp Genetics (formerly Invitae), Labcorp
Classification: Uncertain significance for Alstrom syndrome. Last evaluated: 2022-08-16. Review status: criteria provided, single submitter. Criteria: Invitae Variant Classification Sherloc (09022015). Collection method: clinical testing. Allele origin: germline.
Comment: This sequence change replaces tyrosine, which is neutral and polar, with cysteine, which is neutral and slightly polar, at codon 1203 of the ALMS1 protein (p.Tyr1203Cys). This variant is present in population databases (rs772706904, gnomAD 0.04%). This variant has not been reported in the literature in individuals affected with ALMS1-related conditions. ClinVar contains an entry for this variant (Variation ID: 1469356). Experimental studies and prediction algorithms are not available or were not evaluated, and the functional significance of this variant is currently unknown. In summary, the available evidence is currently insufficient to determine the role of this variant in disease. Therefore, it has been classified as a Variant of Uncertain Significance.

Fulgent Genetics
Classification: Uncertain significance for Alstrom syndrome. Last evaluated: 2021-07-08. Review status: criteria provided, single submitter. Criteria: ACMG Guidelines, 2015. Collection method: clinical testing. Allele origin: unknown.

NM_001378454.1(ALMS1):c.3605A>G (p.Tyr1202Cys)

Gene: ALMS1 (ALMS1 centrosome and basal body associated protein; plus strand). Cytogenetic location: 2p13.1.
Variant type: single nucleotide variant.
Coding change: c.3605A>G on transcript NM_001378454.1 (MANE Select); coding-DNA position 3605, A replaced by G.
Protein change: p.Tyr1202Cys; replaces tyrosine 1202 with cysteine.
Molecular consequence: missense variant.
Genome position (GRCh38, 1-based): chr2:73,450,132, A>G. VCF-style: chr2-73450132-A-G. GRCh37 (hg19) VCF-style: chr2-73677259-A-G.
Other names: c.3608A>G, p.Tyr1203Cys (NM_015120.4); short protein forms Y1202C, Y1203C.
Identifiers: ClinVar variation 1469356 (VCV001469356.7), dbSNP rs772706904, ClinGen allele CA1713555.